The following is an entry in ClinVar:

ClinVar aggregate classification (germline): Pathogenic (3 of 4 stars; one submission).

Conditions:
Glanzmann thrombasthenia. Also called: THROMBASTHENIA OF GLANZMANN AND NAEGELI; BLEEDING DISORDER, PLATELET-TYPE, 2; Thrombasthenia; PLATELET GLYCOPROTEIN IIb-IIIa DEFICIENCY; Glanzmann's thrombasthenia. Identifiers: Orphanet 849, MedGen C0040015, MONDO:0100326.

Submission:

ClinGen Platelet Disorders Variant Curation Expert Panel, ClinGen
Classification: Pathogenic for Glanzmann thrombasthenia. Last evaluated: 2021-09-14. Review status: reviewed by expert panel. Criteria: ClinGen Platelet ACMG Specifications v2. Collection method: curation. Allele origin: germline. Inheritance: Autosomal recessive inheritance.
Comment: The NM_000212.3(ITGB3):c.1728del variant results in a frameshift (p.Ser577ProfsTer92) with a premature stop codon in exon 12/15 leading to nonsense mediated decay in a gene in which loss-of-function is an established disease mechanism (PVS1). At least two probands has been reported with this variant, including GT28 of PMID: 29675921 who meets the criteria for PP4_strong. GT28 is compound heterozygous for c.1728del and Gln298Ter (Classified Pathogenic by the PD-VCEP; PM3_supporting). This variant is absent from gnomAD v2.1.1 (PM2_Supporting). In summary, this variant meets the criteria to be classified as Pathogenic for autosomal recessive Glanzmann Thrombasthenia based on the ACMG/AMP criteria applied, as specified by the ClinGen PD VCEP: PVS1, PM2_supporting, PM3_supporting, PP4_strong. (VCEP specifications version 2; date of approval xx/xx/xxxx)

NM_000212.3(ITGB3):c.1728del (p.Ser577fs)

Gene: ITGB3 (integrin subunit beta 3; plus strand). Cytogenetic location: 17q21.32.
Variant type: Deletion.
Coding change: c.1728del on transcript NM_000212.3 (MANE Select); coding-DNA position 1728, one base deleted (C; older notation c.1728delC).
Protein change: p.Ser577fs; shifts the reading frame from serine 577.
Molecular consequence: frameshift variant.
Genome position (GRCh38, 1-based): chr17:47,299,345, C deleted. VCF-style (leftmost placement, unchanged base first): chr17-47299344-AC-A. GRCh37 (hg19) VCF-style: chr17-45376710-AC-A.
Other names: NM_000212.3:c.1728del; short protein forms S577fs.
Identifiers: ClinVar variation 1330331 (VCV001330331.1), dbSNP rs2143129755, ClinGen allele CA915940253.